The following is an entry in ClinVar:

ClinVar aggregate classification (germline): Uncertain significance (1 of 4 stars; one submission).

Allele frequency attached by ClinVar (database versions not stated): 1000 Genomes Project 30x 0.00016.
gnomAD v4.1: 32 of 1,613,936 alleles (0.002%); highest among the groups gnomAD compares: African/African-American, 0.0067%; no homozygotes.

Submission:

Labcorp Genetics (formerly Invitae), Labcorp
Classification: Uncertain significance. Last evaluated: 2022-06-24. Review status: criteria provided, single submitter. Criteria: Invitae Variant Classification Sherloc (09022015). Collection method: clinical testing. Allele origin: germline.
Comment: In summary, the available evidence is currently insufficient to determine the role of this variant in disease. Therefore, it has been classified as a Variant of Uncertain Significance. Algorithms developed to predict the effect of missense changes on protein structure and function (SIFT, PolyPhen-2, Align-GVGD) all suggest that this variant is likely to be tolerated. This variant has not been reported in the literature in individuals affected with KARS-related conditions. This variant is present in population databases (rs117041419, gnomAD 0.003%). This sequence change replaces asparagine, which is neutral and polar, with threonine, which is neutral and polar, at codon 85 of the KARS protein (p.Asn85Thr).

NM_005548.3(KARS1):c.170A>C (p.Asn57Thr)

Gene: KARS1 (lysyl-tRNA synthetase 1; minus strand). Cytogenetic location: 16q23.1.
Variant type: single nucleotide variant.
Coding change: c.170A>C on transcript NM_005548.3 (MANE Select); coding-DNA position 170, A replaced by C.
Protein change: p.Asn57Thr; replaces asparagine 57 with threonine.
Molecular consequence: missense variant. On other transcripts: 5 prime UTR variant (1).
Genome position (GRCh38, 1-based): chr16:75,641,616, T>G on the plus strand (A>C on the coding strand, the complement: KARS1 is on the minus strand). VCF-style: chr16-75641616-T-G. GRCh37 (hg19) VCF-style: chr16-75675514-T-G.
Other names: c.254A>C, p.Asn85Thr (NM_001130089.2); c.-299A>C (NM_001378148.1); short protein forms N85T, N57T.
Identifiers: ClinVar variation 2110113 (VCV002110113.4), dbSNP rs117041419, ClinGen allele CA8177731.